The following is an entry in ClinVar:

ClinVar aggregate classification (germline): Likely benign. Review status: criteria provided, multiple submitters, no conflicts (2 of 4 stars). 2 submissions from 2 submitters: Likely benign (2). Last evaluated 2025-08-01.

Conditions:
Hereditary cancer-predisposing syndrome. Also called: Hereditary neoplastic syndrome; Neoplastic Syndromes, Hereditary; Tumor predisposition; Hereditary Cancer Syndrome. Identifiers: Orphanet 140162, MedGen C0027672, MeSH D009386, MONDO:0015356.

Submissions (2):

CeGaT Center for Human Genetics Tuebingen
Classification: Likely benign. Last evaluated: 2025-08-01. Review status: criteria provided, single submitter. Criteria: CeGaT Center For Human Genetics Tuebingen Variant Classification Criteria Version 2. Collection method: clinical testing. Allele origin: germline. Affected: yes. Observed: 1 variant allele.
Comment: SMARCB1: PM2:Supporting, BP4, BP7

Ambry Genetics
Classification: Likely benign for Hereditary cancer-predisposing syndrome. Last evaluated: 2020-06-10. Review status: criteria provided, single submitter. Criteria: Ambry Variant Classification Scheme 2023. Collection method: clinical testing. Allele origin: germline.

NM_003073.5(SMARCB1):c.147A>G (p.Ser49=)

Gene: SMARCB1 (SWI/SNF related BAF chromatin remodeling complex subunit B1; plus strand). Cytogenetic location: 22q11.23.
Variant type: single nucleotide variant.
Coding change: c.147A>G on transcript NM_003073.5 (MANE Select); coding-DNA position 147, A replaced by G.
Protein change: p.Ser49=; no amino-acid change (serine 49 retained).
Molecular consequence: synonymous variant.
Genome position (GRCh38, 1-based): chr22:23,791,809, A>G. VCF-style: chr22-23791809-A-G. GRCh37 (hg19) VCF-style: chr22-24133996-A-G.
Other names: c.147A>G, p.Ser49= (NM_001007468.3, NM_001317946.2, NM_001362877.2).
Identifiers: ClinVar variation 1773522 (VCV001773522.10), dbSNP rs2145960170, ClinGen allele CA513767559.